The following is an entry in ClinVar:

NM_001009944.3(PKD1):c.3588G>A (p.Thr1196=)

Gene: PKD1 (polycystin 1, transient receptor potential channel interacting; minus strand). Cytogenetic location: 16p13.3.
Variant type: single nucleotide variant.
Coding change: c.3588G>A on transcript NM_001009944.3 (MANE Select); coding-DNA position 3588, G replaced by A.
Protein change: p.Thr1196=; no amino-acid change (threonine 1196 retained).
Molecular consequence: synonymous variant.
Genome position (GRCh38, 1-based): chr16:2,111,579, C>T on the plus strand (G>A on the coding strand, the complement: PKD1 is on the minus strand). VCF-style: chr16-2111579-C-T. GRCh37 (hg19) VCF-style: chr16-2161580-C-T.
Other names: c.3588G>A, p.Thr1196= (NM_000296.4).
Identifiers: ClinVar variation 3053976 (VCV003053976.2), dbSNP rs752430163, ClinGen allele CA7832717.

ClinVar aggregate classification (germline): Likely benign (0 of 4 stars; one submission).

Conditions:
PKD1-related disorder. Also called: PKD1-related condition.

Allele frequency attached by ClinVar (database versions not stated): TOPMed 0.00001.
gnomAD v4.1: 6 of 1,576,096 alleles (0.00038%); highest among the groups gnomAD compares: South Asian, 0.0023%; no homozygotes.

Submission:

PreventionGenetics, part of Exact Sciences
Classification: Likely benign for PKD1-related condition. Last evaluated: 2020-10-19. Review status: no assertion criteria provided. Collection method: clinical testing. Allele origin: germline.
Comment: This variant is classified as likely benign based on ACMG/AMP sequence variant interpretation guidelines (Richards et al. 2015 PMID: 25741868, with internal and published modifications).